The following is an entry in ClinVar:

ClinVar aggregate classification (germline): Benign/Likely benign. Review status: criteria provided, multiple submitters, no conflicts (2 of 4 stars). 13 submissions from 13 submitters: Benign (5); Likely benign (7). 1 of the submissions does not count toward it. Last evaluated 2026-02-03.

Conditions:
TSC2-related disorder. Also called: TSC2-related condition; TSC2-Related Disorders.
Hereditary cancer-predisposing syndrome. Also called: Tumor predisposition; Hereditary neoplastic syndrome; Hereditary Cancer Syndrome; Neoplastic Syndromes, Hereditary. Identifiers: Orphanet 140162, MedGen C0027672, MeSH D009386, MONDO:0015356.
Tuberous sclerosis syndrome (TSC). Also called: Tuberous Sclerosis Complex; Tuberous sclerosis. Identifiers: Orphanet 805, MedGen C0041341, MONDO:0001734.
Tuberous sclerosis 2 (TSC2). Identifiers: Orphanet 805, MedGen C1860707, MONDO:0013199, OMIM 613254.

Allele frequency attached by ClinVar (database versions not stated): gnomAD exomes 0.00003 and 0.00007; ExAC 0.00007; ESP Exome Variant Server 0.00031; TOPMed 0.00031; gnomAD 0.00032 and 0.00035.
gnomAD v4.1: 96 of 1,613,752 alleles (0.0059%); highest among the groups gnomAD compares: African/African-American, 0.11%; no homozygotes.

Submissions (13):

Labcorp Genetics (formerly Invitae), Labcorp
Classification: Benign for Tuberous sclerosis 2. Last evaluated: 2026-02-03. Review status: criteria provided, single submitter. Criteria: Invitae Variant Classification Sherloc (09022015). Collection method: clinical testing. Allele origin: germline.

Myriad Genetics, Inc.
Classification: Benign for Tuberous sclerosis 2. Last evaluated: 2025-05-14. Review status: criteria provided, single submitter. Criteria: Myriad Autosomal Dominant, Autosomal Recessive and X-Linked Classification Criteria (2023). Collection method: clinical testing. Allele origin: unknown.
Comment: This variant is considered benign. This variant is a silent/synonymous amino acid change and it is not expected to impact splicing.

Blueprint Genetics
Classification: Likely benign. Last evaluated: 2024-08-28. Review status: criteria provided, single submitter. Criteria: ACMG Guidelines, 2015. Collection method: clinical testing. Allele origin: germline.

CeGaT Center for Human Genetics Tuebingen
Classification: Likely benign. Last evaluated: 2024-01-01. Review status: criteria provided, single submitter. Criteria: CeGaT Center For Human Genetics Tuebingen Variant Classification Criteria Version 2. Collection method: clinical testing. Allele origin: germline. Affected: yes. Observed: 1 variant allele.
Comment: TSC2: BP4, BS1

All of Us Research Program, National Institutes of Health
Classification: Benign for Tuberous sclerosis syndrome. Last evaluated: 2023-12-13. Review status: criteria provided, single submitter. Criteria: ACMG Guidelines, 2015. Collection method: clinical testing. Allele origin: germline. Inheritance: Autosomal dominant inheritance. Observed: 12 variant alleles, 12 heterozygotes.
Comment: This study involves interpretation of variants in research participants for the purpose of population health screening. Participant phenotype was not available at the time of variant classification. Additional details can be found in publication PMID: 35346344, PMCID: PMC8962531

Quest Diagnostics Nichols Institute San Juan Capistrano
Classification: Likely benign. Last evaluated: 2023-03-17. Review status: criteria provided, single submitter. Criteria: Quest Diagnostics criteria. Collection method: clinical testing. Allele origin: unknown.
Comment: The frequency of this variant in the general population is higher than would generally be expected for pathogenic variants in this gene. This nucleotide position exhibits low evolutionary conservation.

Women's Health and Genetics/Laboratory Corporation of America, LabCorp
Classification: Likely benign. Last evaluated: 2023-01-06. Review status: criteria provided, single submitter. Criteria: LabCorp Variant Classification Summary - May 2015. Collection method: clinical testing. Allele origin: germline.

Color Diagnostics, LLC DBA Color Health
Classification: Benign for Tuberous sclerosis syndrome. Last evaluated: 2022-09-07. Review status: criteria provided, single submitter. Criteria: ACMG Guidelines, 2015. Collection method: clinical testing. Allele origin: germline.

Genome-Nilou Lab
Classification: Benign for Tuberous sclerosis 2. Last evaluated: 2021-11-07. Review status: criteria provided, single submitter. Criteria: ACMG Guidelines, 2015. Collection method: clinical testing. Allele origin: germline. Affected: no.

Sema4
Classification: Likely benign for Hereditary cancer-predisposing syndrome. Last evaluated: 2021-06-30. Review status: criteria provided, single submitter. Criteria: Sema4 Curation Guidelines. Collection method: curation. Allele origin: germline.

GeneDx
Classification: Likely benign. Last evaluated: 2021-04-12. Review status: criteria provided, single submitter. Criteria: GeneDx Variant Classification Process June 2021. Collection method: clinical testing. Allele origin: germline. Affected: yes.

Ambry Genetics
Classification: Likely benign for Hereditary cancer-predisposing syndrome. Last evaluated: 2018-05-10. Review status: criteria provided, single submitter. Criteria: Ambry Variant Classification Scheme 2023. Collection method: clinical testing. Allele origin: germline.

PreventionGenetics, part of Exact Sciences
Classification: Likely benign for TSC2-related condition. Last evaluated: 2019-10-22. Review status: no assertion criteria provided. Collection method: clinical testing. Allele origin: germline. Not counted in ClinVar's aggregate classification.
Comment: This variant is classified as likely benign based on ACMG/AMP sequence variant interpretation guidelines (Richards et al. 2015 PMID: 25741868, with internal and published modifications).

Literature cited by the submitters: PubMed 18722871 (cited by Ambry Genetics).

NM_000548.5(TSC2):c.1512C>G (p.Val504=)

Gene: TSC2 (TSC complex subunit 2; plus strand). Cytogenetic location: 16p13.3.
Variant type: single nucleotide variant.
Coding change: c.1512C>G on transcript NM_000548.5 (MANE Select); coding-DNA position 1512, C replaced by G.
Protein change: p.Val504=; no amino-acid change (valine 504 retained).
Molecular consequence: synonymous variant.
Genome position (GRCh38, 1-based): chr16:2,064,340, C>G. VCF-style: chr16-2064340-C-G. GRCh37 (hg19) VCF-style: chr16-2114341-C-G.
Other names: c.1512C>G, p.Val504= (NM_001077183.3, NM_001114382.3, NM_001363528.2 and 3 more transcripts); c.1401C>G, p.Val467= (NM_001318827.2); c.1365C>G, p.Val455= (NM_001318829.2); c.912C>G, p.Val304= (NM_001318831.2); c.1545C>G, p.Val515= (NM_001318832.2); c.1512C>G (NM_000548.4).
Identifiers: ClinVar variation 141670 (VCV000141670.86), dbSNP rs146359990, ClinGen allele CA015019.